The following continues an entry in ClinVar:

NM_001370658.1(BTD):c.410G>A (p.Arg137His)

Gene: BTD. ClinVar aggregate classification (germline): Pathogenic. Pathogenic (18).

Submissions 13 to 18 of 18:

Quest Diagnostics Nichols Institute San Juan Capistrano
Classification: Pathogenic. Last evaluated: 2022-09-16. Review status: criteria provided, single submitter. Criteria: Quest Diagnostics criteria. Collection method: clinical testing. Allele origin: unknown.
Comment: In the published literature, this variant has reported as one of the most common pathogenic variants associated with biotinidase deficiency in Turkish population (PMIDs: 25754625 (2015), 29353266 (2018), and 33189081 (2021)). This variant has been identified in homozygous state or compound heterozygous state with other pathogenic BTD variants in multiple individuals with profound to partial biotinidase deficiency (PMIDs: 9396567 (1997), 10801053 (2000), 11313766 (2001), 16435182 (2005), 22698809 (2012), 25754625 (2015), 27329734, (2016), 29353266 (2018), and 33189081 (2021)).

Dasa
Classification: Pathogenic for Biotinidase deficiency. Last evaluated: 2022-01-05. Review status: criteria provided, single submitter. Criteria: ACMG Guidelines, 2015. Collection method: clinical testing. Allele origin: germline. Affected: yes. Observed: 1 variant allele.
Comment: The c.410G>A;p.(Arg137His) missense variant has been observed in affected individual(s) and ClinVar contains an entry for this variant (Clinvar ID: 38290; PMID: 27329734; 26361991; 25754625; 23644139; 22698809; 20224900; 11313766) - PS4.The variant is located in a mutational hot spot and/or critical and well-established functional domain (CN_hydrolase domain) - PM1. The variant is present at low allele frequencies population databases (rs146015592– gnomAD 0.001514%; ABraOM no frequency) - PM2_supporting. The p.(Arg137His) was detected in trans with a pathogenic variant (PMID: 27329734; 26361991; 25754625; 23644139; 22698809; 20224900; 11313766) - PM3_strong. Pathogenic missense variant in this residue have been reported (Clinvar ID: 25012) - PM5. Multiple lines of computational evidence support a deleterious effect on the gene or gene product - PP3. In summary, the currently available evidence indicates that the variant is pathogenic.

GeneDx
Classification: Pathogenic. Last evaluated: 2021-01-08. Review status: criteria provided, single submitter. Criteria: GeneDx Variant Classification Process June 2021. Collection method: clinical testing. Allele origin: germline. Affected: yes.
Comment: In silico analysis, which includes protein predictors and evolutionary conservation, supports a deleterious effect; This variant is associated with the following publications: (PMID: 11668630, 25423671, 26361991, 27657684, 33123633, 32440248, 33189081, 9396567, 23644139, 25754625, 34426522)

Myriad Genetics, Inc.
Classification: Pathogenic for Biotinidase deficiency. Last evaluated: 2019-12-24. Review status: criteria provided, single submitter. Criteria: Myriad Women's Health Autosomal Recessive and X-Linked Classification Criteria (2019). Collection method: clinical testing. Allele origin: unknown.
Comment: NM_000060.2(BTD):c.470G>A(R157H) is classified as pathogenic in the context of biotinidase deficiency. Please note that R157H is seen in patients with both partial and profound biotinidase deficiency. Sources cited for classification include the following: PMID 23644139, 11313766, 16435182, 25754625, 9396567, 27329734 and 26361991. Classification of NM_000060.2(BTD):c.470G>A(R157H) is based on the following criteria: This is a well-established pathogenic variant in the literature that has been observed more frequently in patients with clinical diagnoses than in healthy populations. Please note: this variant was assessed in the context of healthy population screening.

Eurofins Ntd Llc (ga)
Classification: Pathogenic. Last evaluated: 2016-10-26. Review status: criteria provided, single submitter. Criteria: EGL Classification Definitions. Collection method: clinical testing. Allele origin: germline. Observed: 7 variant alleles, 7 heterozygotes.

Juno Genomics, Hangzhou Juno Genomics, Inc
Classification: Pathogenic for Biotinidase deficiency. Review status: criteria provided, single submitter. Criteria: ACMG Guidelines, 2015. Collection method: clinical testing. Allele origin: germline.
Comment: Absent from controls (or at extremely low frequency if recessive) in Genome Aggregation Database.;The prevalence of the variant in affected individuals is significantly increased compared to the prevalence in controls.;For recessive disorders, detected in trans with a pathogenic variant.;Patient's phenotype or family history is highly specific for a disease with a single genetic etiology.

Literature cited by the submitters: PubMed 29995633 (cited by Women's Health and Genetics/Laboratory Corporation of America, LabCorp); PubMed 9396567 (cited by 5 submitters); PubMed 11313766 (cited by 6 submitters); PubMed 20224900 (cited by 4 submitters); PubMed 22698809 (cited by 4 submitters); PubMed 34448386 (cited by Natera, Inc.); PubMed 35195902 (cited by Natera, Inc. and Ambry Genetics); PubMed 26361991 (cited by 3 submitters); PubMed 33123633 (cited by Ambry Genetics); PubMed 37725148 (cited by Ambry Genetics); PubMed 29353266 (cited by Variantyx, Inc. and Quest Diagnostics Nichols Institute San Juan Capistrano); PubMed 27329734 (cited by 4 submitters); PubMed 27657684 (cited by Variantyx, Inc.); PubMed 10801053 (cited by Quest Diagnostics Nichols Institute San Juan Capistrano); PubMed 16435182 (cited by Quest Diagnostics Nichols Institute San Juan Capistrano and Myriad Genetics, Inc.); PubMed 25754625 (cited by 3 submitters); PubMed 33312878 (cited by Quest Diagnostics Nichols Institute San Juan Capistrano); PubMed 33189081 (cited by Quest Diagnostics Nichols Institute San Juan Capistrano); PubMed 23644139 (cited by Dasa and Myriad Genetics, Inc.); PubMed 25972378 (cited by Dasa).